The following is an entry in ClinVar:

ClinVar aggregate classification (germline): Uncertain significance. Review status: criteria provided, multiple submitters, no conflicts (2 of 4 stars). 4 submissions from 4 submitters: Uncertain significance (2). 2 of the submissions do not count toward it. Last evaluated 2024-07-05.

Conditions:
Polyglandular autoimmune syndrome, type 1 (APS1). Also called: Autoimmune polyendocrinopathy syndrome , type I, with or without reversible metaphyseal dysplasia; HYPOADRENOCORTICISM WITH HYPOPARATHYROIDISM AND SUPERFICIAL MONILIASIS; PGA I; Autoimmune polyendocrinopathy syndrome, type I; Autoimmune polyendocrine syndrome type 1; AUTOIMMUNE POLYENDOCRINE SYNDROME, TYPE I, WITH OR WITHOUT REVERSIBLE METAPHYSEAL DYSPLASIA. Identifiers: Orphanet 3453, MedGen C0085859, MONDO:0009411, OMIM 240300.
AIRE-related disorder. Also called: AIRE-related condition.

Allele frequency attached by ClinVar (database versions not stated): gnomAD exomes below 0.00001; gnomAD 0.00001.
gnomAD v4.1: 5 of 1,509,936 alleles (0.00033%); highest among the groups gnomAD compares: African/African-American, 0.0014%; no homozygotes.

Submissions (4):

Labcorp Genetics (formerly Invitae), Labcorp
Classification: Uncertain significance for Polyglandular autoimmune syndrome, type 1. Last evaluated: 2024-07-05. Review status: criteria provided, single submitter. Criteria: Invitae Variant Classification Sherloc (09022015). Collection method: clinical testing. Allele origin: germline.
Comment: This sequence change replaces glycine, which is neutral and non-polar, with glutamic acid, which is acidic and polar, at codon 498 of the AIRE protein (p.Gly498Glu). This variant is not present in population databases (gnomAD no frequency). This variant has not been reported in the literature in individuals affected with AIRE-related conditions. ClinVar contains an entry for this variant (Variation ID: 858849). Advanced modeling of protein sequence and biophysical properties (such as structural, functional, and spatial information, amino acid conservation, physicochemical variation, residue mobility, and thermodynamic stability) performed at Invitae indicates that this missense variant is not expected to disrupt AIRE protein function with a negative predictive value of 95%. In summary, the available evidence is currently insufficient to determine the role of this variant in disease. Therefore, it has been classified as a Variant of Uncertain Significance.

Blueprint Genetics
Classification: Uncertain significance. Last evaluated: 2023-03-23. Review status: criteria provided, single submitter. Criteria: ACMG Guidelines, 2015. Collection method: clinical testing. Allele origin: germline.

PreventionGenetics, part of Exact Sciences
Classification: Uncertain significance for AIRE-related condition. Last evaluated: 2023-11-07. Review status: no assertion criteria provided. Collection method: clinical testing. Allele origin: germline. Not counted in ClinVar's aggregate classification.
Comment: The AIRE c.1493G>A variant is predicted to result in the amino acid substitution p.Gly498Glu. To our knowledge, this variant has not been reported in the literature or in a large population database, indicating this variant is rare. At this time, the clinical significance of this variant is uncertain due to the absence of conclusive functional and genetic evidence.

Natera, Inc.
Classification: Uncertain significance for Polyglandular autoimmune syndrome type 1. Last evaluated: 2020-09-14. Review status: no assertion criteria provided. Collection method: clinical testing. Allele origin: germline. Not counted in ClinVar's aggregate classification.

NM_000383.4(AIRE):c.1493G>A (p.Gly498Glu)

Gene: AIRE (autoimmune regulator; plus strand). Cytogenetic location: 21q22.3.
Variant type: single nucleotide variant.
Coding change: c.1493G>A on transcript NM_000383.4 (MANE Select); coding-DNA position 1493, G replaced by A.
Protein change: p.Gly498Glu; replaces glycine 498 with glutamic acid.
Molecular consequence: missense variant.
Genome position (GRCh38, 1-based): chr21:44,294,493, G>A. VCF-style: chr21-44294493-G-A. GRCh37 (hg19) VCF-style: chr21-45714376-G-A.
Other names: short protein forms G498E.
Identifiers: ClinVar variation 858849 (VCV000858849.13), dbSNP rs1189029187, ClinGen allele CA410426020.